The following is an entry in ClinVar:

ClinVar aggregate classification (germline): Likely pathogenic (1 of 4 stars; one submission).

Conditions:
PKD1L1-related disorder. Also called: PKD1L1-related condition.

Submission:

PreventionGenetics, part of Exact Sciences
Classification: Likely pathogenic for PKD1L1-related condition. Last evaluated: 2025-06-02. Review status: criteria provided, single submitter. Criteria: ACMG Guidelines, 2015. Collection method: clinical testing. Allele origin: germline.
Comment: The PKD1L1 c.3421_3422delTT variant is predicted to result in a frameshift and premature protein termination (p.Phe1141Profs*41). To our knowledge, this variant has not been reported in the literature or in a large population database (gnomAD), indicating this variant is rare. Frameshift variants in PKD1L1 are expected to be pathogenic. This variant is interpreted as likely pathogenic.

NM_138295.5(PKD1L1):c.3421_3422del (p.Phe1141fs)

Gene: PKD1L1 (polycystin 1 like 1, transient receptor potential channel interacting; minus strand). Cytogenetic location: 7p12.3.
Variant type: Deletion.
Coding change: c.3421_3422del on transcript NM_138295.5 (MANE Select); coding-DNA positions 3421 to 3422, 2 bases deleted (TT; older notation c.3421_3422delTT).
Protein change: p.Phe1141fs; shifts the reading frame from phenylalanine 1141.
Molecular consequence: frameshift variant.
Genome position (GRCh38, 1-based): chr7:47,881,929-47,881,930, AA deleted on the plus strand (TT on the coding strand, the reverse complement: PKD1L1 is on the minus strand); deleting any 2 consecutive bases within chr7:47,881,929-47,881,932 gives the same sequence; the c. name uses the placement nearest the transcript's 3' end. VCF-style (leftmost placement, unchanged base first): chr7-47881928-GAA-G. GRCh37 (hg19) VCF-style: chr7-47921526-GAA-G.
Other names: short protein forms F1141fs.
Identifiers: ClinVar variation 5001328 (VCV005001328.1).
Genomic context (GRCh38, chr7:47,881,928, plus strand): 5'-GAAACACTGCAAATTGGAGGGTACAAAGAGGACATTCATACCTGAGGATGAATAGCCTTG[GAA>G]AACTGCTCGACCCAGCAGGGCCTTGGGCCAGTCAATCATGAGGACAGGCTCGGCTCTGCC-3'